The following is an entry in ClinVar:

NM_004006.3(DMD):c.2292+4G>T

Gene: DMD (dystrophin; minus strand). Cytogenetic location: Xp21.1.
Variant type: single nucleotide variant.
Coding change: c.2292+4G>T on transcript NM_004006.3 (MANE Select); 4 bases into the intron after coding-DNA position 2292, G replaced by T.
Molecular consequence: intron variant.
Genome position (GRCh38, 1-based): chrX:32,518,004, C>A on the plus strand (G>T on the coding strand, the complement: DMD is on the minus strand). VCF-style: chrX-32518004-C-A. GRCh37 (hg19) VCF-style: chrX-32536121-C-A.
Other names: c.2268+4G>T (NM_000109.4); c.2280+4G>T (NM_004009.3); c.1923+4G>T (NM_004010.3).
Identifiers: ClinVar variation 3223646 (VCV003223646.1), dbSNP rs2046030089, ClinGen allele CA412663578.

ClinVar aggregate classification (germline): Uncertain significance (1 of 4 stars; one submission).

Conditions:
Cardiovascular phenotype. Identifiers: MedGen CN230736.

Submission:

Ambry Genetics
Classification: Uncertain significance for Cardiovascular phenotype. Last evaluated: 2023-10-13. Review status: criteria provided, single submitter. Criteria: Ambry Variant Classification Scheme 2023. Collection method: clinical testing. Allele origin: germline.
Comment: The c.2292+4G>T intronic variant results from a G to T substitution 4 nucleotides after coding exon 18 in the DMD gene. This nucleotide position is well conserved in available vertebrate species. In silico splice site analysis predicts that this alteration will not have any significant effect on splicing. Since supporting evidence is limited at this time, the clinical significance of this alteration remains unclear.